The following is an entry in ClinVar:

NM_001379500.1(COL18A1):c.107-11432G>A

Gene: COL18A1 (collagen type XVIII alpha 1 chain; plus strand). Cytogenetic location: 21q22.3.
Variant type: single nucleotide variant.
Coding change: c.107-11432G>A on transcript NM_001379500.1 (MANE Select); 11432 bases into the intron before coding-DNA position 107, G replaced by A.
Molecular consequence: intron variant. On other transcripts: missense variant (1).
Genome position (GRCh38, 1-based): chr21:45,456,810, G>A. VCF-style: chr21-45456810-G-A. GRCh37 (hg19) VCF-style: chr21-46876724-G-A.
Other names: c.1280G>A, p.Arg427Gln (NM_130444.3); c.646+634G>A (NM_030582.4); short protein forms R427Q.
Identifiers: ClinVar variation 2413039 (VCV002413039.4), dbSNP rs8133035, ClinGen allele CA10065654.

ClinVar aggregate classification (germline): Conflicting classifications of pathogenicity. Review status: criteria provided, conflicting classifications (1 of 4 stars). 2 submissions from 2 submitters: Uncertain significance (1); Likely benign (1). Last evaluated 2024-06-27.

Allele frequency attached by ClinVar (database versions not stated): gnomAD exomes 0.00005; TOPMed 0.00012; gnomAD 0.00014; ExAC 0.00023; 1000 Genomes Project 30x 0.00031; 1000 Genomes Project 0.00040.
gnomAD v4.1: 92 of 1,536,378 alleles (0.006%); highest among the groups gnomAD compares: African/African-American, 0.039%; no homozygotes.

Submissions (2):

Blueprint Genetics
Classification: Likely benign. Last evaluated: 2024-06-27. Review status: criteria provided, single submitter. Criteria: ACMG Guidelines, 2015. Collection method: clinical testing. Allele origin: germline.

GeneDx
Classification: Uncertain significance. Last evaluated: 2022-07-14. Review status: criteria provided, single submitter. Criteria: GeneDx Variant Classification Process June 2021. Collection method: clinical testing. Allele origin: germline. Affected: yes.
Comment: Has not been previously published as pathogenic or benign to our knowledge; Reported using an alternate transcript of the gene